The following is an entry in ClinVar:

ClinVar aggregate classification (germline): Uncertain significance. Review status: criteria provided, multiple submitters, no conflicts (2 of 4 stars). 2 submissions from 2 submitters: Uncertain significance (2). Last evaluated 2025-03-18.

Conditions:
Inborn genetic diseases. Identifiers: MedGen C0950123, MeSH D030342.

Allele frequency attached by ClinVar (database versions not stated): gnomAD exomes 0.00001 and 0.00002; ExAC 0.00004; TOPMed below 0.00001.
gnomAD v4.1: 12 of 1,610,692 alleles (0.00075%); highest among the groups gnomAD compares: Admixed American, 0.005%; 1 homozygote.

Submissions (2):

Ambry Genetics
Classification: Uncertain significance for Inborn genetic diseases. Last evaluated: 2025-03-18. Review status: criteria provided, single submitter. Criteria: Ambry Variant Classification Scheme 2023. Collection method: clinical testing. Allele origin: germline.

Labcorp Genetics (formerly Invitae), Labcorp
Classification: Uncertain significance. Last evaluated: 2021-11-01. Review status: criteria provided, single submitter. Criteria: Invitae Variant Classification Sherloc (09022015). Collection method: clinical testing. Allele origin: germline.
Comment: This sequence change replaces serine, which is neutral and polar, with leucine, which is neutral and non-polar, at codon 252 of the MTTP protein (p.Ser252Leu). This variant is present in population databases (rs767893675, gnomAD 0.01%). This variant has not been reported in the literature in individuals affected with MTTP-related conditions. Algorithms developed to predict the effect of missense changes on protein structure and function are either unavailable or do not agree on the potential impact of this missense change (SIFT: "Deleterious"; PolyPhen-2: "Probably Damaging"; Align-GVGD: "Class C0"). In summary, the available evidence is currently insufficient to determine the role of this variant in disease. Therefore, it has been classified as a Variant of Uncertain Significance.

NM_001386140.1(MTTP):c.755C>T (p.Ser252Leu)

Gene: MTTP (microsomal triglyceride transfer protein; plus strand). Cytogenetic location: 4q23.
Variant type: single nucleotide variant.
Coding change: c.755C>T on transcript NM_001386140.1 (MANE Select); coding-DNA position 755, C replaced by T.
Protein change: p.Ser252Leu; replaces serine 252 with leucine.
Molecular consequence: missense variant.
Genome position (GRCh38, 1-based): chr4:99,591,787, C>T. VCF-style: chr4-99591787-C-T. GRCh37 (hg19) VCF-style: chr4-100512944-C-T.
Other names: c.755C>T, p.Ser252Leu (NM_000253.4); c.506C>T, p.Ser169Leu (NM_001300785.2); c.755C>T (NM_000253.2); short protein forms S252L, S169L.
Identifiers: ClinVar variation 1498931 (VCV001498931.4), dbSNP rs767893675, ClinGen allele CA3021929.
Genomic context (GRCh38, chr4:99,591,787, plus strand): 5'-CTGAAGAAACACACAATTTTGGACTGAATTTCCTACAAACCATTAAGGGGAAAATAGTAT[C>T]GAAGTAAGATAATGCTAAAATTTTTATTTTCTTTGCTATTCTTTGTTATATTATTATACT-3'
Protein context (NP_001373069.1, residues 242-262): FLQTIKGKIV[Ser252Leu]KQKLELKTTE